The following is an entry in ClinVar:

NM_138694.4(PKHD1):c.1660_1661insA (p.Ser554fs)

Gene: PKHD1 (PKHD1 ciliary IPT domain containing fibrocystin/polyductin; minus strand). Cytogenetic location: 6p12.2.
Variant type: Insertion.
Coding change: c.1660_1661insA on transcript NM_138694.4 (MANE Select); coding-DNA positions 1660 to 1661, A inserted.
Protein change: p.Ser554fs; shifts the reading frame from serine 554.
Molecular consequence: frameshift variant.
Genome position: GRCh38 VCF-style: chr6-52056730-G-GT. GRCh37 (hg19) VCF-style: chr6-51921528-G-GT.
Other names: c.1660_1661insA, p.Ser554fs (NM_170724.3); short protein forms S554fs.
Identifiers: ClinVar variation 1726648 (VCV001726648.2), dbSNP rs2533335995, ClinGen allele CA2580075601.

ClinVar aggregate classification (germline): Likely pathogenic (1 of 4 stars; one submission).

Conditions:
Polycystic kidney disease 4 (PKD4). Also called: POLYCYSTIC KIDNEY AND HEPATIC DISEASE 1; POLYCYSTIC KIDNEY DISEASE, INFANTILE, TYPE I; POLYCYSTIC KIDNEY DISEASE 4 WITH OR WITHOUT POLYCYSTIC LIVER DISEASE; PKD3; Autosomal Recessive Polycystic Kidney Disease – PKHD1. Identifiers: MedGen C4540575, MONDO:0033004, OMIM 263200.

Submission:

Myriad Genetics, Inc.
Classification: Likely pathogenic for Polycystic kidney disease 4. Last evaluated: 2021-12-30. Review status: criteria provided, single submitter. Criteria: Myriad Women's Health Autosomal Recessive and X-Linked Classification Criteria (2021). Collection method: clinical testing. Allele origin: unknown.
Comment: NM_138694.3(PKHD1):c.1660_1661insA(S554Yfs*2) is expected to be pathogenic in the context of autosomal recessive polycystic kidney disease, PKHD1-related. This variant is predicted to lead to an abnormal or absent protein product due to the creation of a premature termination codon in PKHD1, a gene where loss-of-function variants are known to be pathogenic. Please note: this variant was assessed in the context of healthy population screening.